The following is an entry in ClinVar:

ClinVar aggregate classification (germline): Likely benign. Review status: criteria provided, multiple submitters, no conflicts (2 of 4 stars). 2 submissions from 2 submitters: Likely benign (2). Last evaluated 2024-11-26.

Allele frequency attached by ClinVar (database versions not stated): ESP Exome Variant Server 0.00454; gnomAD exomes 0.00545; 1000 Genomes Project 30x 0.00125; 1000 Genomes Project 0.00140; ExAC 0.00234; gnomAD 0.00346; TOPMed 0.00359.
gnomAD v4.1: 8,505 of 1,614,160 alleles (0.53%); highest among the groups gnomAD compares: Non-Finnish European, 0.66%; 39 homozygotes.

Submissions (2):

Blueprint Genetics
Classification: Likely benign. Last evaluated: 2024-11-26. Review status: criteria provided, single submitter. Criteria: ACMG Guidelines, 2015. Collection method: clinical testing. Allele origin: germline.

CeGaT Center for Human Genetics Tuebingen
Classification: Likely benign. Last evaluated: 2024-06-01. Review status: criteria provided, single submitter. Criteria: CeGaT Center For Human Genetics Tuebingen Variant Classification Criteria Version 2. Collection method: clinical testing. Allele origin: germline. Affected: yes. Observed: 8 variant alleles.
Comment: MYOF: BP4, BP7, BS2

NM_013451.4(MYOF):c.2232C>T (p.Ala744=)

Gene: MYOF (myoferlin; minus strand). Cytogenetic location: 10q23.33.
Variant type: single nucleotide variant.
Coding change: c.2232C>T on transcript NM_013451.4 (MANE Select); coding-DNA position 2232, C replaced by T.
Protein change: p.Ala744=; no amino-acid change (alanine 744 retained).
Molecular consequence: synonymous variant.
Genome position (GRCh38, 1-based): chr10:93,374,832, G>A on the plus strand (C>T on the coding strand, the complement: MYOF is on the minus strand). VCF-style: chr10-93374832-G-A. GRCh37 (hg19) VCF-style: chr10-95134589-G-A.
Other names: c.2193C>T, p.Ala731= (NM_133337.3).
Identifiers: ClinVar variation 2640694 (VCV002640694.25), dbSNP rs141523035, ClinGen allele CA5607924.